The following is an entry in ClinVar:

ClinVar aggregate classification (germline): Uncertain significance (1 of 4 stars; one submission).

gnomAD v4.1: 35 of 1,611,400 alleles (0.0022%); highest among the groups gnomAD compares: Non-Finnish European, 0.003%; no homozygotes.

Submission:

Mayo Clinic Laboratories, Mayo Clinic
Classification: Uncertain significance. Last evaluated: 2025-05-20. Review status: criteria provided, single submitter. Criteria: ACMG Guidelines, 2015. Collection method: clinical testing. Allele origin: germline. Observed: 1 variant allele.
Comment: BP4_moderate

NM_001377137.1(GBF1):c.1025A>C (p.His342Pro)

Gene: GBF1 (golgi brefeldin A resistant guanine nucleotide exchange factor 1; plus strand). Cytogenetic location: 10q24.32.
Variant type: single nucleotide variant.
Coding change: c.1025A>C on transcript NM_001377137.1 (MANE Select); coding-DNA position 1025, A replaced by C.
Protein change: p.His342Pro; replaces histidine 342 with proline.
Molecular consequence: missense variant. On other transcripts: non-coding transcript variant (3), intron variant (1).
Genome position (GRCh38, 1-based): chr10:102,359,280, A>C. VCF-style: chr10-102359280-A-C. GRCh37 (hg19) VCF-style: chr10-104119037-A-C.
Other names: p.His341Pro; c.1022A>C, p.His341Pro (NM_001377140.1, NM_001377141.1, NM_001391924.1 and 9 more transcripts); c.1121A>C, p.His374Pro (NM_001391922.1, NM_001411027.1); c.1025A>C, p.His342Pro (NM_001391923.1, NM_001391926.1, NM_001199378.2); c.1097A>C, p.His366Pro (NM_001411003.1); c.1011+551A>C (NM_001391931.1); short protein forms H342P, H374P, H341P, H366P.
Identifiers: ClinVar variation 4541582 (VCV004541582.1).
Genomic context (GRCh38, chr10:102,359,280, plus strand): 5'-GCTCTTGCCTCATCCCTCTTCCCATATCTCCCTGCTACTGGTCATAGCAGGAAGGGACCC[A>C]TGTGGAAAAGTCCCAGTCAGCATCTGTGGAGTCCATCCCTGAAGTGTTAGAGGAGTGCAC-3'
Protein context (NP_001364066.1, residues 332-352): EQPDLQQEGT[His342Pro]VEKSQSASVE